The following is an entry in ClinVar:

NM_001164508.2(NEB):c.5452-1G>A

Gene: NEB (nebulin; minus strand). Cytogenetic location: 2q23.3.
Variant type: single nucleotide variant.
Coding change: c.5452-1G>A on transcript NM_001164508.2 (MANE Select); the canonical splice acceptor site of the intron before coding-DNA position 5452, G replaced by A.
Molecular consequence: splice acceptor variant.
Genome position (GRCh38, 1-based): chr2:151,663,860, C>T on the plus strand (G>A on the coding strand, the complement: NEB is on the minus strand). VCF-style: chr2-151663860-C-T. GRCh37 (hg19) VCF-style: chr2-152520374-C-T.
Other names: c.5452-1G>A (NM_004543.5, NM_001164507.2, NM_001271208.2).
Identifiers: ClinVar variation 1484339 (VCV001484339.7), dbSNP rs2154172894, ClinGen allele CA348809035.

ClinVar aggregate classification (germline): Conflicting classifications of pathogenicity. Review status: criteria provided, conflicting classifications (1 of 4 stars). 2 submissions from 2 submitters: Likely pathogenic (1); Uncertain significance (1). Last evaluated 2025-03-18.

Conditions:
Nemaline myopathy. Also called: Myopathies, Nemaline. Identifiers: Orphanet 607, MedGen C0206157, MONDO:0018958.
Nemaline myopathy 2 (NEM2). Also called: Nemaline myopathy 2, autosomal recessive. Identifiers: MedGen C1850569, MONDO:0009725, OMIM 256030.

gnomAD v4.1: 1 of 1,610,684 alleles (0.000062%); highest among the groups gnomAD compares: Middle Eastern, 0.017%; no homozygotes.

Submissions (2):

Broad Center for Mendelian Genomics, Broad Institute of MIT and Harvard
Classification: Uncertain significance for Nemaline myopathy. Last evaluated: 2025-03-18. Review status: criteria provided, single submitter. Criteria: ACMG Guidelines, 2015. Collection method: curation. Allele origin: germline. Inheritance: Autosomal recessive inheritance.
Comment: The c.5452-1G>A variant in NEB has been been reported in 1 individual with nemaline myopathy (PMID: 34602496), and has been identified in 0.017% (1/6040) of Middle Eastern chromosomes by the Genome Aggregation Database (gnomAD; dbSNP ID: rs2154172894). Although this variant has been seen in the general population in a heterozygous state, its frequency is low enough to be consistent with a recessive carrier frequency. This variant has also been reported in ClinVar (Variation ID: 1484339) and has been interpreted as likely pathogenic by Invitae. This variant is located in the 3' splice region. Computational tools predict a splicing impact, though this information is not predictive enough to determine pathogenicity. There is an in-frame cryptic splice site 12 bases from the intron-exon boundary, providing evidence that this variant may delete 4 amino acids instead of causing loss of function. However, this information is not predictive enough to determine pathogenicity. Loss of function of the NEB gene is an established disease mechanism in autosomal recessive nemaline myopathy. In summary, while there is some suspicion for a pathogenic role, the clinical significance of this variant is uncertain. ACMG/AMP Criteria applied: PVS1_moderate, PM2_supporting (Richards 2015).

Labcorp Genetics (formerly Invitae), Labcorp
Classification: Likely pathogenic for Nemaline myopathy 2. Last evaluated: 2024-02-08. Review status: criteria provided, single submitter. Criteria: Invitae Variant Classification Sherloc (09022015). Collection method: clinical testing. Allele origin: germline.
Comment: This sequence change affects an acceptor splice site in intron 44 of the NEB gene. It is expected to disrupt RNA splicing. Variants that disrupt the donor or acceptor splice site typically lead to a loss of protein function (PMID: 16199547), and loss-of-function variants in NEB are known to be pathogenic (PMID: 25205138). This variant is not present in population databases (gnomAD no frequency). This variant has not been reported in the literature in individuals affected with NEB-related conditions. ClinVar contains an entry for this variant (Variation ID: 1484339). Algorithms developed to predict the effect of sequence changes on RNA splicing suggest that this variant may disrupt the consensus splice site. In summary, the currently available evidence indicates that the variant is pathogenic, but additional data are needed to prove that conclusively. Therefore, this variant has been classified as Likely Pathogenic.

Literature cited by the submitters: PubMed 16199547 (cited by Labcorp Genetics (formerly Invitae), Labcorp); PubMed 25205138 (cited by Labcorp Genetics (formerly Invitae), Labcorp).